The following is an entry in ClinVar:

ClinVar aggregate classification (germline): Uncertain significance (1 of 4 stars; one submission).

Conditions:
Familial thoracic aortic aneurysm and aortic dissection (TAAD). Also called: Thoracic aortic aneurysms and dissections. Identifiers: Orphanet 91387, MedGen C4707243, MONDO:0019625.

Submission:

Ambry Genetics
Classification: Uncertain significance for Familial thoracic aortic aneurysm and aortic dissection. Last evaluated: 2024-11-23. Review status: criteria provided, single submitter. Criteria: Ambry Variant Classification Scheme 2023. Collection method: clinical testing. Allele origin: germline.
Comment: The p.R1664T variant (also known as c.4991G>C), located in coding exon 26 of the NOTCH1 gene, results from a G to C substitution at nucleotide position 4991. The arginine at codon 1664 is replaced by threonine, an amino acid with similar properties. This amino acid position is conserved. In addition, the in silico prediction for this alteration is inconclusive. Based on the available evidence, the clinical significance of this variant remains unclear.

NM_017617.5(NOTCH1):c.4991G>C (p.Arg1664Thr)

Gene: NOTCH1 (notch receptor 1; minus strand). Cytogenetic location: 9q34.3.
Variant type: single nucleotide variant.
Coding change: c.4991G>C on transcript NM_017617.5 (MANE Select); coding-DNA position 4991, G replaced by C.
Protein change: p.Arg1664Thr; replaces arginine 1664 with threonine.
Molecular consequence: missense variant.
Genome position (GRCh38, 1-based): chr9:136,504,700, C>G on the plus strand (G>C on the coding strand, the complement: NOTCH1 is on the minus strand). VCF-style: chr9-136504700-C-G. GRCh37 (hg19) VCF-style: chr9-139399152-C-G.
Other names: short protein forms R1664T.
Identifiers: ClinVar variation 3406924 (VCV003406924.1).
Genomic context (GRCh38, chr9:136,504,700, plus strand): 5'-GGGGATTGACCGTGGGCGCCGGGTCTCACTCACCCGCGGACGTCCATGGGGTCCAGCTCC[C>G]TCCGCCGCCGCCCACCCTCGCTGCCACCAGGGAGCAGCGAGGCCTTCACCTGGCCCAGCA-3'
Protein context (NP_060087.3, residues 1654-1674): PGGSEGGRRR[Arg1664Thr]ELDPMDVRGS